The following is an entry in ClinVar:

ClinVar aggregate classification (germline): Benign/Likely benign. Review status: criteria provided, multiple submitters, no conflicts (2 of 4 stars). 5 submissions from 5 submitters: Benign (2); Likely benign (1). 2 of the submissions do not count toward it. Last evaluated 2025-03-04.

Conditions:
BRCA1-related disorder. Also called: BRCA1-related condition.
Familial cancer of breast. Also called: Hereditary breast cancer; hereditary breast carcinoma; BREAST CANCER, FAMILIAL. Identifiers: Orphanet 227535, MedGen C0346153, MONDO:0016419, OMIM 114480. Disease mechanism: loss of function.
Breast-ovarian cancer, familial, susceptibility to, 1 (BROVCA1). Also called: BRCA1 Hereditary Breast and Ovarian Cancer; OVARIAN CANCER, SUSCEPTIBILITY TO. Identifiers: Orphanet 145, MedGen C2676676, MONDO:0011450, OMIM 604370. Disease mechanism: loss of function.
Pancreatic cancer, susceptibility to, 4. Identifiers: Orphanet 1333, MedGen C3280442, MONDO:0013685, OMIM 614320.
Fanconi anemia, complementation group S (FANCS). Identifiers: MedGen C4554406, MONDO:0054748, OMIM 617883.
Hereditary cancer-predisposing syndrome. Also called: Tumor predisposition; Hereditary neoplastic syndrome; Hereditary Cancer Syndrome; Neoplastic Syndromes, Hereditary. Identifiers: Orphanet 140162, MedGen C0027672, MeSH D009386, MONDO:0015356.

Submissions (5):

Center for Genomic Medicine, Rigshospitalet, Copenhagen University Hospital
Classification: Benign. Last evaluated: 2025-03-04. Review status: criteria provided, single submitter. Criteria: ACMG Guidelines, 2015. Collection method: clinical testing. Allele origin: germline.

Fulgent Genetics
Classification: Likely benign for Familial cancer of breast; Breast-ovarian cancer, familial, susceptibility to, 1; Pancreatic cancer, susceptibility to, 4; Fanconi anemia, complementation group S. Last evaluated: 2021-08-06. Review status: criteria provided, single submitter. Criteria: ACMG Guidelines, 2015. Collection method: clinical testing. Allele origin: unknown.

Color Diagnostics, LLC DBA Color Health
Classification: Benign for Hereditary cancer-predisposing syndrome. Last evaluated: 2016-07-17. Review status: criteria provided, single submitter. Criteria: ACMG Guidelines, 2015. Collection method: clinical testing. Allele origin: germline.

PreventionGenetics, part of Exact Sciences
Classification: Likely benign for BRCA1-related condition. Last evaluated: 2021-06-24. Review status: no assertion criteria provided. Collection method: clinical testing. Allele origin: germline. Not counted in ClinVar's aggregate classification.
Comment: This variant is classified as likely benign based on ACMG/AMP sequence variant interpretation guidelines (Richards et al. 2015 PMID: 25741868, with internal and published modifications).

Breast Cancer Information Core (BIC) (BRCA1)
Classification: Benign for Breast-ovarian cancer, familial 1. Last evaluated: 2000-01-01. Review status: no assertion criteria provided. Collection method: clinical testing. Allele origin: germline. Affected: yes. Observed: 2 variant alleles. Not counted in ClinVar's aggregate classification.

NM_007294.4(BRCA1):c.4185+11TG[5]

Gene: BRCA1 (BRCA1 DNA repair associated; minus strand). Cytogenetic location: 17q21.31.
Variant type: Microsatellite.
Coding change: c.4185+11TG[5] on transcript NM_007294.4 (MANE Select); five copies in a row of the 2-base unit TG starting at c.4185+11; the reference has six copies in a row; one copy, 2 bases deleted.
Molecular consequence: intron variant.
Genome position (GRCh38, 1-based): chr17:43,090,922-43,090,923, CA deleted on the plus strand (TG on the coding strand, the reverse complement: BRCA1 is on the minus strand); deleting any 2 consecutive bases within chr17:43,090,922-43,090,934 gives the same sequence; the position shown is the placement nearest the transcript's 3' end. VCF-style (leftmost placement, unchanged base first): chr17-43090921-GCA-G. GRCh37 (hg19) VCF-style: chr17-41242938-GCA-G.
Other names: IVS12+12delGT; LRG_292:g.127061_127062del; LRG_292t1:c.4185+21_4185+22del; c.4185+21_4185+22delTG (NM_007294.3, NM_007294.4); c.3804+11TG[5] (NM_001407963.1, NM_001407960.1, NM_001407959.1); c.492+11TG[5] (NM_001408511.1); c.735+11TG[5] (NM_001408457.1, NM_001408460.1, NM_001408454.1 and 11 more transcripts); c.4044+11TG[5] (NM_001407692.1, NM_001407851.1, NM_001407735.1 and 29 more transcripts); and 46 more.
Identifiers: ClinVar variation 125686 (VCV000125686.9), dbSNP rs273900723, ClinGen allele CA002681.